The following is an entry in ClinVar:

NM_007194.4(CHEK2):c.910A>T (p.Met304Leu)

Gene: CHEK2 (checkpoint kinase 2; minus strand). Cytogenetic location: 22q12.1.
Variant type: single nucleotide variant.
Coding change: c.910A>T on transcript NM_007194.4 (MANE Select); coding-DNA position 910, A replaced by T.
Protein change: p.Met304Leu; replaces methionine 304 with leucine.
Molecular consequence: missense variant.
Genome position (GRCh38, 1-based): chr22:28,699,936, T>A on the plus strand (A>T on the coding strand, the complement: CHEK2 is on the minus strand). VCF-style: chr22-28699936-T-A. GRCh37 (hg19) VCF-style: chr22-29095924-T-A.
Other names: c.1039A>T, p.Met347Leu (NM_001005735.3); c.247A>T, p.Met83Leu (NM_001257387.3); c.709A>T, p.Met237Leu (NM_001349956.3); c.910A>T, p.Met304Leu (NM_145862.3); short protein forms M304L, M347L, M237L, M83L.
Identifiers: ClinVar variation 229861 (VCV000229861.17), dbSNP rs769436449, ClinGen allele CA10581064.

ClinVar aggregate classification (germline): Uncertain significance. Review status: criteria provided, multiple submitters, no conflicts (2 of 4 stars). 2 submissions from 2 submitters: Uncertain significance (2). Last evaluated 2024-12-06.

Conditions:
Hereditary cancer-predisposing syndrome. Also called: Hereditary neoplastic syndrome; Hereditary Cancer Syndrome; Neoplastic Syndromes, Hereditary; Tumor predisposition. Identifiers: Orphanet 140162, MedGen C0027672, MeSH D009386, MONDO:0015356.
Familial cancer of breast. Also called: Hereditary breast cancer; BREAST CANCER, FAMILIAL; hereditary breast carcinoma. Identifiers: Orphanet 227535, MedGen C0346153, MONDO:0016419, OMIM 114480. Disease mechanism: loss of function.

gnomAD v4.1: 2 of 1,612,130 alleles (0.00012%); highest among the groups gnomAD compares: South Asian, 0.0011%; no homozygotes.

Submissions (2):

Labcorp Genetics (formerly Invitae), Labcorp
Classification: Uncertain significance for Familial cancer of breast. Last evaluated: 2024-12-06. Review status: criteria provided, single submitter. Criteria: Invitae Variant Classification Sherloc (09022015). Collection method: clinical testing. Allele origin: germline.
Comment: This sequence change replaces methionine, which is neutral and non-polar, with leucine, which is neutral and non-polar, at codon 304 of the CHEK2 protein (p.Met304Leu). This variant is not present in population databases (gnomAD no frequency). This variant has not been reported in the literature in individuals affected with CHEK2-related conditions. ClinVar contains an entry for this variant (Variation ID: 229861). An algorithm developed to predict the effect of missense changes on protein structure and function (PolyPhen-2) suggests that this variant is likely to be tolerated. In summary, the available evidence is currently insufficient to determine the role of this variant in disease. Therefore, it has been classified as a Variant of Uncertain Significance.

Ambry Genetics
Classification: Uncertain significance for Hereditary cancer-predisposing syndrome. Last evaluated: 2024-09-21. Review status: criteria provided, single submitter. Criteria: Ambry Variant Classification Scheme 2023. Collection method: clinical testing. Allele origin: germline.
Comment: The p.M304L variant (also known as c.910A>T), located in coding exon 8 of the CHEK2 gene, results from an A to T substitution at nucleotide position 910. The methionine at codon 304 is replaced by leucine, an amino acid with highly similar properties. This alteration was reported as functionally intermediate in a study assessing CHEK2-complementation through quantification of KAP1 phosphorylation and CHK2 autophosphorylation in human RPE1-CHEK2-knockout cells (Stolarova L et al. Clin Cancer Res, 2023 Aug;29:3037-3050). This amino acid position is highly conserved in available vertebrate species. In addition, the in silico prediction for this alteration is inconclusive. Based on the available evidence, the clinical significance of this variant remains unclear.

Literature cited by the submitters: PubMed 37449874 (cited by Ambry Genetics).